The following is an entry in ClinVar:

ClinVar aggregate classification (germline): Uncertain significance (1 of 4 stars; one submission).

Conditions:
Joubert syndrome 14 (JBTS14). Identifiers: MedGen C3280766, MONDO:0013745, OMIM 614424.

Allele frequency attached by ClinVar (database versions not stated): gnomAD exomes below 0.00001.
gnomAD v4.1: 1 of 1,541,322 alleles (0.000065%); highest among the groups gnomAD compares: Non-Finnish European, 0.000087%; no homozygotes.

Submission:

Labcorp Genetics (formerly Invitae), Labcorp
Classification: Uncertain significance for Joubert syndrome 14. Last evaluated: 2025-07-07. Review status: criteria provided, single submitter. Criteria: Invitae Variant Classification Sherloc (09022015). Collection method: clinical testing. Allele origin: germline.
Comment: This sequence change replaces leucine, which is neutral and non-polar, with glutamine, which is neutral and polar, at codon 9 of the TMEM237 protein (p.Leu9Gln). This variant is not present in population databases (gnomAD no frequency). This variant has not been reported in the literature in individuals affected with TMEM237-related conditions. ClinVar contains an entry for this variant (Variation ID: 1428547). An algorithm developed to predict the effect of missense changes on protein structure and function (PolyPhen-2) suggests that this variant is likely to be tolerated. In summary, the available evidence is currently insufficient to determine the role of this variant in disease. Therefore, it has been classified as a Variant of Uncertain Significance.

NM_001044385.3(TMEM237):c.26T>A (p.Leu9Gln)

Genes: TMEM237 (transmembrane protein 237; minus strand), LOC129935417 (ATAC-STARR-seq lymphoblastoid silent region 12235; plus strand). Cytogenetic location: 2q33.1.
Variant type: single nucleotide variant.
Coding change: c.26T>A on transcript NM_001044385.3 (MANE Select); coding-DNA position 26, T replaced by A.
Protein change: p.Leu9Gln; replaces leucine 9 with glutamine.
Molecular consequence: missense variant.
Genome position (GRCh38, 1-based): chr2:201,643,375, A>T on the plus strand (T>A on the coding strand, the complement: TMEM237 is on the minus strand). VCF-style: chr2-201643375-A-T. GRCh37 (hg19) VCF-style: chr2-202508098-A-T.
Other names: short protein forms L9Q.
Identifiers: ClinVar variation 1428547 (VCV001428547.8), dbSNP rs2105906100, ClinGen allele CA350317735.